The following is an entry in ClinVar:

NM_006073.4(TRDN):c.1443G>C (p.Glu481Asp)

Gene: TRDN (triadin; minus strand). Cytogenetic location: 6q22.31.
Variant type: single nucleotide variant.
Coding change: c.1443G>C on transcript NM_006073.4 (MANE Select); coding-DNA position 1443, G replaced by C.
Protein change: p.Glu481Asp; replaces glutamic acid 481 with aspartic acid.
Molecular consequence: missense variant.
Genome position (GRCh38, 1-based): chr6:123,331,907, C>G on the plus strand (G>C on the coding strand, the complement: TRDN is on the minus strand). VCF-style: chr6-123331907-C-G. GRCh37 (hg19) VCF-style: chr6-123653052-C-G.
Other names: short protein forms E481D.
Identifiers: ClinVar variation 1524809 (VCV001524809.5), dbSNP rs2114727152, ClinGen allele CA365563924.
Genomic context (GRCh38, chr6:123,331,907, plus strand): 5'-ATGTGGCTTCACATTTCATTGTATAATATTACCTTTTTCCTTTAGGGAAGCTGGAACTTT[C>G]TCTTCTTTCCCTTTAATAGGTTCTGAAAAGAAACATCGGACATTTATTTGAAGCCAAGAC-3'
Protein context (NP_006064.2, residues 471-491): KDKEPIKGKE[Glu481Asp]KVPASLKEKE

ClinVar aggregate classification (germline): Uncertain significance (1 of 4 stars; one submission).

Conditions:
Catecholaminergic polymorphic ventricular tachycardia 1. Also called: VENTRICULAR TACHYCARDIA, STRESS-INDUCED POLYMORPHIC 1; VENTRICULAR TACHYCARDIA, CATECHOLAMINERGIC POLYMORPHIC, 1, WITH OR WITHOUT ATRIAL DYSFUNCTION AND/OR DILATED CARDIOMYOPATHY; RYR2-Related Catecholaminergic Polymorphic Ventricular Tachycardia. Identifiers: Orphanet 3286, MedGen C1631597, MONDO:0011484, OMIM 604772.

Allele frequency attached by ClinVar (database versions not stated): gnomAD exomes below 0.00001.
gnomAD v4.1: 2 of 1,547,778 alleles (0.00013%); highest among the groups gnomAD compares: Admixed American, 0.002%; no homozygotes.

Submission:

Labcorp Genetics (formerly Invitae), Labcorp
Classification: Uncertain significance for Catecholaminergic polymorphic ventricular tachycardia 1. Last evaluated: 2021-10-04. Review status: criteria provided, single submitter. Criteria: Invitae Variant Classification Sherloc (09022015). Collection method: clinical testing. Allele origin: germline.
Comment: In summary, the available evidence is currently insufficient to determine the role of this variant in disease. Therefore, it has been classified as a Variant of Uncertain Significance. Algorithms developed to predict the effect of missense changes on protein structure and function (SIFT, PolyPhen-2, Align-GVGD) all suggest that this variant is likely to be tolerated. This variant has not been reported in the literature in individuals affected with TRDN-related conditions. This variant is not present in population databases (ExAC no frequency). This sequence change replaces glutamic acid with aspartic acid at codon 481 of the TRDN protein (p.Glu481Asp). The glutamic acid residue is weakly conserved and there is a small physicochemical difference between glutamic acid and aspartic acid.